The following is an entry in ClinVar:

NM_001283009.2(RTEL1):c.2924G>C (p.Gly975Ala)

Genes: RTEL1-TNFRSF6B (RTEL1-TNFRSF6B readthrough (NMD candidate); plus strand), RTEL1 (regulator of telomere elongation helicase 1; plus strand). Cytogenetic location: 20q13.33.
Variant type: single nucleotide variant.
Coding change: c.2924G>C on transcript NM_001283009.2 (MANE Select); coding-DNA position 2924, G replaced by C.
Protein change: p.Gly975Ala; replaces glycine 975 with alanine.
Molecular consequence: missense variant. On other transcripts: non-coding transcript variant (1).
Genome position (GRCh38, 1-based): chr20:63,693,215, G>C. VCF-style: chr20-63693215-G-C. GRCh37 (hg19) VCF-style: chr20-62324568-G-C.
Other names: c.2996G>C (NM_032957.4); c.2255G>C, p.Gly752Ala (NM_001283010.1); c.2924G>C, p.Gly975Ala (NM_016434.4); c.2996G>C, p.Gly999Ala (NM_032957.5); short protein forms G752A, G975A, G999A.
Identifiers: ClinVar variation 938916 (VCV000938916.7), dbSNP rs757725471, ClinGen allele CA409683315.

ClinVar aggregate classification (germline): Uncertain significance. Review status: criteria provided, multiple submitters, no conflicts (2 of 4 stars). 4 submissions from 4 submitters: Uncertain significance (3). 1 of the submissions does not count toward it. Last evaluated 2024-11-25.

Conditions:
Pulmonary fibrosis and/or bone marrow failure, Telomere-related, 3. Also called: PULMONARY FIBROSIS AND/OR BONE MARROW FAILURE SYNDROME, TELOMERE-RELATED, 3. Identifiers: Orphanet 2032, MedGen C4225346, MONDO:0014613, OMIM 616373.
Dyskeratosis congenita, autosomal recessive 5 (DKCB5). Identifiers: MedGen C3554656, MONDO:0014076, OMIM 615190.
Dyskeratosis congenita. Identifiers: Orphanet 1775, MedGen C0265965, MONDO:0015780.
Inborn genetic diseases. Identifiers: MedGen C0950123, MeSH D030342.

Submissions (4):

Ambry Genetics
Classification: Uncertain significance for Inborn genetic diseases. Last evaluated: 2024-11-25. Review status: criteria provided, single submitter. Criteria: Ambry Variant Classification Scheme 2023. Collection method: clinical testing. Allele origin: germline.
Comment: The p.G975A variant (also known as c.2924G>C), located in coding exon 29 of the RTEL1 gene, results from a G to C substitution at nucleotide position 2924. The glycine at codon 975 is replaced by alanine, an amino acid with similar properties. This amino acid position is conserved. In addition, this alteration is predicted to be tolerated by in silico analysis. Based on the available evidence, the clinical significance of this variant remains unclear.

GeneDx
Classification: Uncertain significance. Last evaluated: 2024-05-06. Review status: criteria provided, single submitter. Criteria: GeneDx Variant Classification Process June 2021. Collection method: clinical testing. Allele origin: germline. Affected: yes.
Comment: Not observed at significant frequency in large population cohorts (gnomAD); In silico analysis supports that this missense variant has a deleterious effect on protein structure/function; Has not been previously published as pathogenic or benign to our knowledge

Labcorp Genetics (formerly Invitae), Labcorp
Classification: Uncertain significance for Dyskeratosis congenita, autosomal recessive 5; Pulmonary fibrosis and/or bone marrow failure, Telomere-related, 3. Last evaluated: 2021-09-01. Review status: criteria provided, single submitter. Criteria: Invitae Variant Classification Sherloc (09022015). Collection method: clinical testing. Allele origin: germline.
Comment: This sequence change replaces glycine with alanine at codon 975 of the RTEL1 protein (p.Gly975Ala). The glycine residue is weakly conserved and there is a small physicochemical difference between glycine and alanine. This variant is not present in population databases (ExAC no frequency). This variant has not been reported in the literature in individuals affected with RTEL1-related conditions. Algorithms developed to predict the effect of missense changes on protein structure and function are either unavailable or do not agree on the potential impact of this missense change (SIFT: "Tolerated"; PolyPhen-2: "Probably Damaging"; Align-GVGD: "Class C0"). In summary, the available evidence is currently insufficient to determine the role of this variant in disease. Therefore, it has been classified as a Variant of Uncertain Significance.

Natera, Inc.
Classification: Uncertain significance for Dyskeratosis congenita. Last evaluated: 2021-02-02. Review status: no assertion criteria provided. Collection method: clinical testing. Allele origin: germline. Not counted in ClinVar's aggregate classification.